The following is an entry in ClinVar:

ClinVar aggregate classification (germline): Uncertain significance. Review status: criteria provided, multiple submitters, no conflicts (2 of 4 stars). 4 submissions from 4 submitters: Uncertain significance (4). Last evaluated 2026-07-23.

Conditions:
TTN-related disorder. Also called: TTN-related condition; TTN-related disease; TTN-related disorders.
Cardiovascular phenotype. Identifiers: MedGen CN230736.

Allele frequency attached by ClinVar (database versions not stated): ExAC 0.00001; gnomAD 0.00004 and 0.00005; TOPMed 0.00008.
gnomAD v4.1: 22 of 1,583,646 alleles (0.0014%); highest among the groups gnomAD compares: African/African-American, 0.023%; no homozygotes.

Submissions (4):

PreventionGenetics, part of Exact Sciences
Classification: Uncertain significance for TTN-related condition. Last evaluated: 2026-07-23. Review status: criteria provided, single submitter. Criteria: ACMG Guidelines, 2015. Collection method: clinical testing. Allele origin: germline.
Comment: The TTN c.91883G>A variant is predicted to result in the amino acid substitution p.Arg30628Lys. To our knowledge, this variant has not been reported in the literature. This variant is reported in 0.0079% of alleles in individuals of South Asian descent in gnomAD. At this time, the clinical significance of this variant is uncertain due to the absence of conclusive functional and genetic evidence.

Revvity Omics, Revvity
Classification: Uncertain significance. Last evaluated: 2023-09-26. Review status: criteria provided, single submitter. Criteria: ACMG Guidelines, 2015. Collection method: clinical testing. Allele origin: germline.

Ambry Genetics
Classification: Uncertain significance for Cardiovascular phenotype. Last evaluated: 2018-10-16. Review status: criteria provided, single submitter. Criteria: Ambry Variant Classification Scheme 2023. Collection method: clinical testing. Allele origin: germline.
Comment: The p.R21563K variant (also known as c.64688G>A), located in coding exon 165 of the TTN gene, results from a G to A substitution at nucleotide position 64688. The arginine at codon 21563 is replaced by lysine, an amino acid with highly similar properties. This amino acid position is highly conserved in available vertebrate species. In addition, this alteration is predicted to be tolerated by in silico analysis. Since supporting evidence is limited at this time, the clinical significance of this alteration remains unclear.

GeneDx
Classification: Uncertain significance. Last evaluated: 2013-10-08. Review status: criteria provided, single submitter. Criteria: GeneDx Variant Classification (06012015). Collection method: clinical testing. Allele origin: germline. Affected: yes.
Comment: Missense variants in the TTN gene are considered 'unclassified' if they are not previously reported in the literature and do not have >1% frequency in the population to be considered a polymorphism. Research indicates that truncating mutations in the TTN gene are expected to account for approximately 25% of familial and 18% of sporadic idiopathic DCM; however, truncating variants in the TTN gene have been reported in approximately 3% of reported control alleles. There has been little investigation into non-truncating variants. (Herman D et al. Truncations of titin causing dilated cardiomyopathy. N Eng J Med 366:619-628, 2012) The variant is found in DCM panel(s).

NM_001267550.2(TTN):c.91883G>A (p.Arg30628Lys)

Genes: TTN-AS1 (TTN antisense RNA 1; plus strand), TTN (titin; minus strand). Cytogenetic location: 2q31.2.
Variant type: single nucleotide variant.
Coding change: c.91883G>A on transcript NM_001267550.2 (MANE Select); coding-DNA position 91883, G replaced by A.
Protein change: p.Arg30628Lys; replaces arginine 30628 with lysine.
Molecular consequence: missense variant.
Genome position (GRCh38, 1-based): chr2:178,549,839, C>T on the plus strand (G>A on the coding strand, the complement: TTN is on the minus strand). VCF-style: chr2-178549839-C-T. GRCh37 (hg19) VCF-style: chr2-179414566-C-T.
Other names: p.R28987K:AGA>AAA; c.86960G>A, p.Arg28987Lys (NM_001256850.1); c.64688G>A, p.Arg21563Lys (NM_003319.4); c.84179G>A, p.Arg28060Lys (NM_133378.4); c.65063G>A, p.Arg21688Lys (NM_133432.3); c.65264G>A, p.Arg21755Lys (NM_133437.4); short protein forms R28987K, R30628K, R21563K, R21688K, R21755K, R28060K.
Identifiers: ClinVar variation 202987 (VCV000202987.8), dbSNP rs780476250, ClinGen allele CA310899.